The following is an entry in ClinVar:

ClinVar aggregate classification (germline): Pathogenic/Likely pathogenic. Review status: criteria provided, multiple submitters, no conflicts (2 of 4 stars). 8 submissions from 8 submitters: Pathogenic (4); Likely pathogenic (4). Last evaluated 2025-12-13.

Conditions:
Hereditary cancer-predisposing syndrome. Also called: Neoplastic Syndromes, Hereditary; Hereditary Cancer Syndrome; Tumor predisposition; Hereditary neoplastic syndrome. Identifiers: Orphanet 140162, MedGen C0027672, MeSH D009386, MONDO:0015356.
Familial cancer of breast. Also called: BREAST CANCER, FAMILIAL; hereditary breast carcinoma; Hereditary breast cancer. Identifiers: Orphanet 227535, MedGen C0346153, MONDO:0016419, OMIM 114480. Disease mechanism: loss of function.
Ataxia-telangiectasia syndrome (AT). Also called: Ataxia-telangiectasia, complementation group D; AT, COMPLEMENTATION GROUP C; Ataxia-telangiectasia; ATAXIA-TELANGIECTASIA, COMPLEMENTATION GROUP A; ATAXIA-TELANGIECTASIA, FRESNO VARIANT; Ataxia-telangiectasia, complementation group E. Identifiers: Orphanet 100, MedGen C0004135, MONDO:0008840, OMIM 208900.

Allele frequency attached by ClinVar (database versions not stated): gnomAD exomes below 0.00001; TOPMed 0.00001; gnomAD 0.00001.
gnomAD v4.1: 2 of 1,613,722 alleles (0.00012%); highest among the groups gnomAD compares: Admixed American, 0.0033%; no homozygotes.

Submissions (8):

Labcorp Genetics (formerly Invitae), Labcorp
Classification: Pathogenic for Ataxia-telangiectasia syndrome. Last evaluated: 2025-12-13. Review status: criteria provided, single submitter. Criteria: Invitae Variant Classification Sherloc (09022015). Collection method: clinical testing. Allele origin: germline.
Comment: This sequence change creates a premature translational stop signal (p.Cys2835*) in the ATM gene. It is expected to result in an absent or disrupted protein product. Loss-of-function variants in ATM are known to be pathogenic (PMID: 23807571, 25614872). This variant is not present in population databases (gnomAD no frequency). This variant has not been reported in the literature in individuals affected with ATM-related conditions. ClinVar contains an entry for this variant (Variation ID: 141240). For these reasons, this variant has been classified as Pathogenic.

Ambry Genetics
Classification: Pathogenic for Hereditary cancer-predisposing syndrome. Last evaluated: 2025-04-14. Review status: criteria provided, single submitter. Criteria: Ambry Variant Classification Scheme 2023. Collection method: clinical testing. Allele origin: germline.
Comment: The p.C2835* pathogenic mutation (also known as c.8505C>A), located in coding exon 57 of the ATM gene, results from a C to A substitution at nucleotide position 8505. This changes the amino acid from a cysteine to a stop codon within coding exon 57. This variant is considered to be rare based on population cohorts in the Genome Aggregation Database (gnomAD). This alteration is expected to result in loss of function by premature protein truncation or nonsense-mediated mRNA decay. As such, this alteration is interpreted as a disease-causing mutation.

Quest Diagnostics Nichols Institute San Juan Capistrano
Classification: Likely pathogenic. Last evaluated: 2024-05-13. Review status: criteria provided, single submitter. Criteria: Quest Diagnostics criteria. Collection method: clinical testing. Allele origin: unknown.
Comment: The ATM c.8505C>A (p.Cys2835*) variant is predicted to cause the premature termination of ATM protein synthesis. This variant has not been reported in individuals with ATM-related conditions in the published literature. The frequency of this variant in the general population, 0.0000066 (1/152146 chromosomes (Genome Aggregation Database)), is consistent with pathogenicity. Based on the available information, this variant is classified as likely pathogenic.

Myriad Genetics, Inc.
Classification: Pathogenic for Familial cancer of breast. Last evaluated: 2024-02-02. Review status: criteria provided, single submitter. Criteria: Myriad Autosomal Dominant, Autosomal Recessive and X-Linked Classification Criteria (2023). Collection method: clinical testing. Allele origin: unknown.
Comment: This variant is considered pathogenic. This variant creates a termination codon and is predicted to result in premature protein truncation.

Baylor Genetics
Classification: Likely pathogenic for Familial cancer of breast. Last evaluated: 2023-09-07. Review status: criteria provided, single submitter. Criteria: ACMG Guidelines, 2015. Collection method: clinical testing. Allele origin: unknown.

Sema4
Classification: Likely pathogenic for Hereditary cancer-predisposing syndrome. Last evaluated: 2021-06-07. Review status: criteria provided, single submitter. Criteria: Sema4 Curation Guidelines. Collection method: curation. Allele origin: germline.
Comment: To the best of our knowledge, the ATM c.8505C>A (p.C2835X) has not been reported in individuals with ATM-related disease. This nonsense variant creates a premature stop codon at residue 2835 of the ATM protein. Loss of function variants in ATM are known to be pathogenic (PMID: 31050087). It was not observed in the large and broad cohorts of the Genome Aggregation Database (PMID: 32461654). The variant has been reported in ClinVar (Variation ID: 141240). Based on the current evidence available, this variant is interpreted as likely pathogenic.

Women's Health and Genetics/Laboratory Corporation of America, LabCorp
Classification: Likely pathogenic for Ataxia-telangiectasia syndrome. Last evaluated: 2020-04-17. Review status: criteria provided, single submitter. Criteria: LabCorp Variant Classification Summary - May 2015. Collection method: clinical testing. Allele origin: germline.
Comment: Variant summary: ATM c.8505C>A (p.Cys2835X) results in a premature termination codon, predicted to cause a truncation of the encoded protein or absence of the protein due to nonsense mediated decay, which are commonly known mechanisms for disease. Truncations downstream of this position have been classified as pathogenic by our laboratory. The variant was absent in 251260 control chromosomes. c.8505C>A has not, to our knowledge, been reported in the literature in individuals affected with Ataxia-Telangiectasia. Nor has experimental evidence demonstrating an impact on protein function has been reported. Two clinical diagnostic laboratories have submitted clinical-significance assessments for this variant to ClinVar after 2014 without evidence for independent evaluation. All laboratories classified the variant as pathogenic. Based on the evidence outlined above, the variant was classified as likely pathogenic.

Color Diagnostics, LLC DBA Color Health
Classification: Pathogenic for Hereditary cancer-predisposing syndrome. Last evaluated: 2020-01-15. Review status: criteria provided, single submitter. Criteria: ACMG Guidelines, 2015. Collection method: clinical testing. Allele origin: germline.
Comment: This variant changes 1 nucleotide in exon 58 of the ATM gene, creating a premature translation stop signal. This variant is expected to result in an absent or non-functional protein product. This variant has not been identified in the general population by the Genome Aggregation Database (gnomAD). Loss of ATM function is a known mechanism of disease. Based on the available evidence, this variant is classified as Pathogenic.

Literature cited by the submitters: PubMed 23807571 (cited by Labcorp Genetics (formerly Invitae), Labcorp); PubMed 25614872 (cited by Labcorp Genetics (formerly Invitae), Labcorp); PubMed 31050087 (cited by Sema4); PubMed 28152038 (cited by Women's Health and Genetics/Laboratory Corporation of America, LabCorp).

NM_000051.4(ATM):c.8505C>A (p.Cys2835Ter)

Genes: ATM (ATM serine/threonine kinase; plus strand), C11orf65 (chromosome 11 open reading frame 65; minus strand). Cytogenetic location: 11q22.3.
Variant type: single nucleotide variant.
Coding change: c.8505C>A on transcript NM_000051.4 (MANE Select); coding-DNA position 8505, C replaced by A.
Protein change: p.Cys2835Ter; replaces cysteine 2835 with a stop codon.
Molecular consequence: nonsense. On other transcripts: intron variant (2).
Genome position (GRCh38, 1-based): chr11:108,345,829, C>A. VCF-style: chr11-108345829-C-A. GRCh37 (hg19) VCF-style: chr11-108216556-C-A.
Other names: c.8505C>A, p.Cys2835Ter (NM_001351834.2); c.641-36758G>T (NM_001330368.2); c.695-10537G>T (NM_001351110.2); short protein forms C2835*.
Identifiers: ClinVar variation 141240 (VCV000141240.20), dbSNP rs587781597, ClinGen allele CA164890.